The following is an entry in ClinVar:

NM_001110556.2(FLNA):c.1991G>A (p.Arg664His)

Gene: FLNA (filamin A; minus strand). Cytogenetic location: Xq28.
Variant type: single nucleotide variant.
Coding change: c.1991G>A on transcript NM_001110556.2 (MANE Select); coding-DNA position 1991, G replaced by A.
Protein change: p.Arg664His; replaces arginine 664 with histidine.
Molecular consequence: missense variant.
Genome position (GRCh38, 1-based): chrX:154,364,557, C>T on the plus strand (G>A on the coding strand, the complement: FLNA is on the minus strand). VCF-style: chrX-154364557-C-T. GRCh37 (hg19) VCF-style: chrX-153592925-C-T.
Other names: p.Arg664His; c.1991G>A, p.Arg664His (NM_001456.4); short protein forms R664H.
Identifiers: ClinVar variation 654219 (VCV000654219.17), dbSNP rs1271495778, ClinGen allele CA415241240.

ClinVar aggregate classification (germline): Uncertain significance. Review status: criteria provided, multiple submitters, no conflicts (2 of 4 stars). 5 submissions from 5 submitters: Uncertain significance (5). Last evaluated 2026-05-14.

Conditions:
Melnick-Needles syndrome (MNS). Also called: MELNICK-NEEDLES OSTEODYSPLASTY; Melnick-Needles Syndrome (FLNA-MNS); OSTEODYSPLASTY OF MELNICK AND NEEDLES. Identifiers: Orphanet 2484, MedGen C0025237, MONDO:0010650, OMIM 309350.
Frontometaphyseal dysplasia (FMD1). Identifiers: Orphanet 1826, MedGen C0265293, MONDO:0015942.
Heterotopia, periventricular, X-linked dominant (PVNH1). Also called: X-linked periventricular heterotopia; PERIVENTRICULAR NODULAR HETEROTOPIA 4; HETEROTOPIA, PERIVENTRICULAR, 1; PERIVENTRICULAR NODULAR HETEROTOPIA 1. Identifiers: Orphanet 2149, Orphanet 82004, MedGen C1848213, MONDO:0010233, OMIM 300049.
Oto-palato-digital syndrome, type II (OPD2). Also called: FACIOPALATOOSSEOUS SYNDROME; Otopalatodigital Syndrome, Type II; Otopalatodigital Syndrome Type 2 (FLNA-OPD2); OPD II SYNDROME. Identifiers: Orphanet 669, Orphanet 90652, MedGen C1844696, MONDO:0010571, OMIM 304120.
Familial thoracic aortic aneurysm and aortic dissection (TAAD). Also called: Thoracic aortic aneurysms and dissections. Identifiers: Orphanet 91387, MedGen C4707243, MONDO:0019625.

Allele frequency attached by ClinVar (database versions not stated): gnomAD 0.00002 and 0.00004; TOPMed 0.00004.

Submissions (5):

Ambry Genetics
Classification: Uncertain significance for Familial thoracic aortic aneurysm and aortic dissection. Last evaluated: 2026-05-14. Review status: criteria provided, single submitter. Criteria: Ambry Variant Classification Scheme 2023. Collection method: clinical testing. Allele origin: germline.
Comment: The p.R664H variant (also known as c.1991G>A), located in coding exon 12 of the FLNA gene, results from a G to A substitution at nucleotide position 1991. The arginine at codon 664 is replaced by histidine, an amino acid with highly similar properties. This amino acid position is conserved. In addition, this alteration is predicted to be tolerated by in silico analysis. Based on the available evidence, the clinical significance of this variant remains unclear.

Labcorp Genetics (formerly Invitae), Labcorp
Classification: Uncertain significance for Oto-palato-digital syndrome, type II; Heterotopia, periventricular, X-linked dominant; Frontometaphyseal dysplasia; Melnick-Needles syndrome. Last evaluated: 2026-01-04. Review status: criteria provided, single submitter. Criteria: Invitae Variant Classification Sherloc (09022015). Collection method: clinical testing. Allele origin: germline.
Comment: This sequence change replaces arginine, which is basic and polar, with histidine, which is basic and polar, at codon 664 of the FLNA protein (p.Arg664His). This variant is not present in population databases (gnomAD no frequency). This variant has not been reported in the literature in individuals affected with FLNA-related conditions. ClinVar contains an entry for this variant (Variation ID: 654219). Invitae Evidence Modeling of protein sequence and biophysical properties (such as structural, functional, and spatial information, amino acid conservation, physicochemical variation, residue mobility, and thermodynamic stability) indicates that this missense variant is not expected to disrupt FLNA protein function with a negative predictive value of 95%. In summary, the available evidence is currently insufficient to determine the role of this variant in disease. Therefore, it has been classified as a Variant of Uncertain Significance.

Blueprint Genetics
Classification: Uncertain significance. Last evaluated: 2024-04-25. Review status: criteria provided, single submitter. Criteria: ACMG Guidelines, 2015. Collection method: clinical testing. Allele origin: germline.

GeneDx
Classification: Uncertain significance. Last evaluated: 2023-07-12. Review status: criteria provided, single submitter. Criteria: GeneDx Variant Classification Process June 2021. Collection method: clinical testing. Allele origin: germline. Affected: yes.
Comment: Has not been previously published as pathogenic or benign to our knowledge; Not observed at significant frequency in large population cohorts (gnomAD); In silico analysis supports that this missense variant does not alter protein structure/function

Mayo Clinic Laboratories, Mayo Clinic
Classification: Uncertain significance. Last evaluated: 2022-06-29. Review status: criteria provided, single submitter. Criteria: ACMG Guidelines, 2015. Collection method: clinical testing. Allele origin: germline. Observed: 1 variant allele.
Comment: PP2, PM2_supporting